The following is an entry in ClinVar:

NM_017662.5(TRPM6):c.1751A>G (p.His584Arg)

Gene: TRPM6 (transient receptor potential cation channel subfamily M member 6; minus strand). Cytogenetic location: 9q21.13.
Variant type: single nucleotide variant.
Coding change: c.1751A>G on transcript NM_017662.5 (MANE Select); coding-DNA position 1751, A replaced by G.
Protein change: p.His584Arg; replaces histidine 584 with arginine.
Molecular consequence: missense variant.
Genome position (GRCh38, 1-based): chr9:74,802,156, T>C on the plus strand (A>G on the coding strand, the complement: TRPM6 is on the minus strand). VCF-style: chr9-74802156-T-C. GRCh37 (hg19) VCF-style: chr9-77417072-T-C.
Other names: c.1736A>G, p.His579Arg (NM_001177310.2, NM_001177311.2); short protein forms H579R, H584R.
Identifiers: ClinVar variation 913378 (VCV000913378.11), dbSNP rs147167288, ClinGen allele CA5084726.

ClinVar aggregate classification (germline): Uncertain significance. Review status: criteria provided, multiple submitters, no conflicts (2 of 4 stars). 5 submissions from 5 submitters: Uncertain significance (5). Last evaluated 2024-09-09.

Conditions:
Inborn genetic diseases. Identifiers: MedGen C0950123, MeSH D030342.
Intestinal hypomagnesemia 1. Also called: HYPOMAGNESEMIA, INTESTINAL, WITH SECONDARY HYPOCALCEMIA; HYPOMAGNESEMIC TETANY. Identifiers: Orphanet 30924, MedGen C1865974, MONDO:0011176, OMIM 602014.

Allele frequency attached by ClinVar (database versions not stated): TOPMed 0.00003; gnomAD 0.00004 and 0.00008; ESP Exome Variant Server 0.00008; gnomAD exomes 0.00013 and 0.00021; ExAC 0.00024.
gnomAD v4.1: 203 of 1,614,096 alleles (0.013%); highest among the groups gnomAD compares: South Asian, 0.15%; 1 homozygote.

Submissions (5):

GeneDx
Classification: Uncertain significance. Last evaluated: 2024-09-09. Review status: criteria provided, single submitter. Criteria: GeneDx Variant Classification Process June 2021. Collection method: clinical testing. Allele origin: germline. Affected: yes.
Comment: In silico analysis indicates that this missense variant does not alter protein structure/function; This variant is associated with the following publications: (PMID: 33565749)

Fulgent Genetics
Classification: Uncertain significance for Intestinal hypomagnesemia 1. Last evaluated: 2024-01-14. Review status: criteria provided, single submitter. Criteria: ACMG Guidelines, 2015. Collection method: clinical testing. Allele origin: germline.

Labcorp Genetics (formerly Invitae), Labcorp
Classification: Uncertain significance. Last evaluated: 2023-12-21. Review status: criteria provided, single submitter. Criteria: Invitae Variant Classification Sherloc (09022015). Collection method: clinical testing. Allele origin: germline.
Comment: This sequence change replaces histidine, which is basic and polar, with arginine, which is basic and polar, at codon 584 of the TRPM6 protein (p.His584Arg). This variant is present in population databases (rs147167288, gnomAD 0.2%), including at least one homozygous and/or hemizygous individual. This missense change has been observed in individual(s) with primary hypomagnesemia with secondary hypocalcemia (PMID: 33565749). ClinVar contains an entry for this variant (Variation ID: 913378). An algorithm developed to predict the effect of missense changes on protein structure and function (PolyPhen-2) suggests that this variant¬†is likely to be tolerated. In summary, the available evidence is currently insufficient to determine the role of this variant in disease. Therefore, it has been classified as a Variant of Uncertain Significance.

Ambry Genetics
Classification: Uncertain significance for Inborn genetic diseases. Last evaluated: 2021-11-03. Review status: criteria provided, single submitter. Criteria: Ambry Variant Classification Scheme 2023. Collection method: clinical testing. Allele origin: germline.

Illumina Laboratory Services, Illumina
Classification: Uncertain significance for Intestinal hypomagnesemia 1. Last evaluated: 2018-01-12. Review status: criteria provided, single submitter. Criteria: ICSL Variant Classification Criteria 13 December 2019. Collection method: clinical testing. Allele origin: germline.

Literature cited by the submitters: PubMed 33565749 (cited by Labcorp Genetics (formerly Invitae), Labcorp and Ambry Genetics).